The following is an entry in ClinVar:

NM_001267550.2(TTN):c.103325C>T (p.Ala34442Val)

Genes: TTN (titin; minus strand), TTN-AS1 (TTN antisense RNA 1; plus strand). Cytogenetic location: 2q31.2.
Variant type: single nucleotide variant.
Coding change: c.103325C>T on transcript NM_001267550.2 (MANE Select); coding-DNA position 103325, C replaced by T.
Protein change: p.Ala34442Val; replaces alanine 34442 with valine.
Molecular consequence: missense variant.
Genome position (GRCh38, 1-based): chr2:178,533,290, G>A on the plus strand (C>T on the coding strand, the complement: TTN is on the minus strand). VCF-style: chr2-178533290-G-A. GRCh37 (hg19) VCF-style: chr2-179398017-G-A.
Other names: c.98402C>T, p.Ala32801Val (NM_001256850.1); c.76130C>T, p.Ala25377Val (NM_003319.4); c.95621C>T, p.Ala31874Val (NM_133378.4); c.76505C>T, p.Ala25502Val (NM_133432.3); c.76706C>T, p.Ala25569Val (NM_133437.4); short protein forms A25377V, A25502V, A34442V, A25569V, A31874V, A32801V.
Identifiers: ClinVar variation 4792048 (VCV004792048.1).

ClinVar aggregate classification (germline): Uncertain significance (1 of 4 stars; one submission).

Conditions:
Autosomal recessive limb-girdle muscular dystrophy type 2J (LGMDR10). Also called: Limb-girdle muscular dystrophy, type 2J; MUSCULAR DYSTROPHY, LIMB-GIRDLE, AUTOSOMAL RECESSIVE 10. Identifiers: Orphanet 140922, MedGen C1837342, MONDO:0012127, OMIM 608807.
Dilated cardiomyopathy 1G (CMD1G). Identifiers: Orphanet 154, MedGen C1858763, MONDO:0011400, OMIM 604145.

gnomAD v4.1: 16 of 1,613,954 alleles (0.00099%); highest among the groups gnomAD compares: South Asian, 0.018%; no homozygotes.

Submission:

Labcorp Genetics (formerly Invitae), Labcorp
Classification: Uncertain significance for Dilated cardiomyopathy 1G; Autosomal recessive limb-girdle muscular dystrophy type 2J. Last evaluated: 2025-12-21. Review status: criteria provided, single submitter. Criteria: Invitae Variant Classification Sherloc (09022015). Collection method: clinical testing. Allele origin: germline.
Comment: This sequence change replaces alanine, which is neutral and non-polar, with valine, which is neutral and non-polar, at codon 34442 of the TTN protein (p.Ala34442Val). This variant is present in population databases (rs745548644, gnomAD 0.02%). This variant has not been reported in the literature in individuals affected with TTN-related conditions. Experimental studies and prediction algorithms are not available or were not evaluated, and the functional significance of this variant is currently unknown. This variant is located in the M band of TTN (PMID: 25589632). Non-truncating variants in this region may be relevant for neuromuscular disorders, but have not been definitively shown to cause cardiomyopathy (PMID: 23975875). In summary, the available evidence is currently insufficient to determine the role of this variant in disease. Therefore, it has been classified as a Variant of Uncertain Significance.

Literature cited by the submitters: PubMed 25589632; PubMed 23975875.